The following is an entry in ClinVar:

ClinVar aggregate classification (germline): Uncertain significance (1 of 4 stars; one submission).

Conditions:
Brugada syndrome 5 (BRGDA5). Identifiers: Orphanet 130, Orphanet 871, MedGen C2748541, MONDO:0013015, OMIM 612838.

gnomAD v4.1: 1 of 1,611,426 alleles (0.000062%); highest among the groups gnomAD compares: Non-Finnish European, 0.000085%; no homozygotes.

Submission:

Labcorp Genetics (formerly Invitae), Labcorp
Classification: Uncertain significance for Brugada syndrome 5. Last evaluated: 2022-12-17. Review status: criteria provided, single submitter. Criteria: Invitae Variant Classification Sherloc (09022015). Collection method: clinical testing. Allele origin: germline.
Comment: This sequence change replaces arginine, which is basic and polar, with serine, which is neutral and polar, at codon 187 of the SCN1B protein (p.Arg187Ser). This variant is not present in population databases (gnomAD no frequency). This variant has not been reported in the literature in individuals affected with SCN1B-related conditions. Algorithms developed to predict the effect of missense changes on protein structure and function are either unavailable or do not agree on the potential impact of this missense change (SIFT: "Deleterious"; PolyPhen-2: "Possibly Damaging"; Align-GVGD: "Class C0"). In summary, the available evidence is currently insufficient to determine the role of this variant in disease. Therefore, it has been classified as a Variant of Uncertain Significance.

NM_001037.5(SCN1B):c.448+111C>A

Gene: SCN1B (sodium voltage-gated channel beta subunit 1; plus strand). Cytogenetic location: 19q13.11.
Variant type: single nucleotide variant.
Coding change: c.448+111C>A on transcript NM_001037.5 (MANE Select); 111 bases into the intron after coding-DNA position 448, C replaced by A.
Molecular consequence: intron variant. On other transcripts: missense variant (1).
Genome position (GRCh38, 1-based): chr19:35,033,850, C>A. VCF-style: chr19-35033850-C-A. GRCh37 (hg19) VCF-style: chr19-35524754-C-A.
Other names: c.559C>A, p.Arg187Ser (NM_199037.5); c.349+111C>A (NM_001321605.2); short protein forms R187S.
Identifiers: ClinVar variation 2999047 (VCV002999047.3), dbSNP rs758654948, ClinGen allele CA405329307.
Genomic context (GRCh38, chr19:35,033,850, plus strand): 5'-TGGAGGGACAGATGGCAGGCAGTGGACAGGACAGGCTGGCTCTGTGCCTGGCCAGCCAAC[C>A]GCCCACAGCAGCGGGCTGAGGGGGAGGGGAGCAGCCCCTCCTGCCCACTCCAGCTCTGGC-3'